The following is an entry in ClinVar:

NM_022041.4(GAN):c.757C>G (p.Leu253Val)

Gene: GAN (gigaxonin; plus strand). Cytogenetic location: 16q23.2.
Variant type: single nucleotide variant.
Coding change: c.757C>G on transcript NM_022041.4 (MANE Select); coding-DNA position 757, C replaced by G.
Protein change: p.Leu253Val; replaces leucine 253 with valine.
Molecular consequence: missense variant.
Genome position (GRCh38, 1-based): chr16:81,356,908, C>G. VCF-style: chr16-81356908-C-G. GRCh37 (hg19) VCF-style: chr16-81390513-C-G.
Other names: c.118C>G, p.Leu40Val (NM_001377486.1); short protein forms L253V, L40V.
Identifiers: ClinVar variation 3375564 (VCV003375564.1).

ClinVar aggregate classification (germline): Uncertain significance (1 of 4 stars; one submission).

gnomAD v4.1: 2 of 1,613,838 alleles (0.00012%); highest among the groups gnomAD compares: Non-Finnish European, 0.00017%; no homozygotes.

Submission:

GeneDx
Classification: Uncertain significance. Last evaluated: 2024-05-07. Review status: criteria provided, single submitter. Criteria: GeneDx Variant Classification Process June 2021. Collection method: clinical testing. Allele origin: germline. Affected: yes.
Comment: Not observed at significant frequency in large population cohorts (gnomAD); Missense variants in this gene are a common cause of disease and they are underrepresented in the general population; In silico analysis supports that this missense variant has a deleterious effect on protein structure/function; Has not been previously published as pathogenic or benign to our knowledge